The following is an entry in ClinVar:

ClinVar aggregate classification (germline): Uncertain significance (1 of 4 stars; one submission).

Submission:

GeneDx
Classification: Uncertain significance. Last evaluated: 2016-01-04. Review status: criteria provided, single submitter. Criteria: GeneDx Variant Classification (06012015). Collection method: clinical testing. Allele origin: germline. Affected: yes.
Comment: The G2175S variant has not been published as a pathogenic variant, nor has it been reported as a benign variant to our knowledge. The G2175S variant was not observed in approximately 6,400 individuals of European and African American ancestry in the NHLBI Exome Sequencing Project, indicating it is not a common benign variant in these populations. The G2175S variant is a non-conservative amino acid substitution, which is likely to impact secondary protein structure as these residues differ in polarity, charge, size and/or other properties. This substitution occurs at a position that is conserved across species. In silico analysis predicts this variant is probably damaging to the protein structure/function. However, no missense variants in nearby residues have been reported in the Human Gene Mutation Database in association with FLNA-related disorders (Stenson et al., 2014), indicating that this region of the gene is not known to harbor disease-causing variants.

NM_001110556.2(FLNA):c.6547G>A (p.Gly2183Ser)

Gene: FLNA (filamin A; minus strand). Cytogenetic location: Xq28.
Variant type: single nucleotide variant.
Coding change: c.6547G>A on transcript NM_001110556.2 (MANE Select); coding-DNA position 6547, G replaced by A.
Protein change: p.Gly2183Ser; replaces glycine 2183 with serine.
Molecular consequence: missense variant.
Genome position (GRCh38, 1-based): chrX:154,352,403, C>T on the plus strand (G>A on the coding strand, the complement: FLNA is on the minus strand). VCF-style: chrX-154352403-C-T. GRCh37 (hg19) VCF-style: chrX-153580771-C-T.
Other names: c.6523G>A, p.Gly2175Ser (NM_001456.4); short protein forms G2175S, G2183S.
Identifiers: ClinVar variation 234728 (VCV000234728.2), dbSNP rs876661183, ClinGen allele CA10577650.
Genomic context (GRCh38, chrX:154,352,403, plus strand): 5'-CAAAGCGGATGCAGTAGGTGTGGTTCTCCCCTTCCACGATCTCGGCCTCATGGGTCTTGC[C>T]CGATGGGCTGGTCACCTGGGCTGTCATATCCTGGATGCTAATTTCTGCAGGGTGGGGATG-3'
Protein context (NP_001104026.1, residues 2173-2193): DMTAQVTSPS[Gly2183Ser]KTHEAEIVEG